The following is an entry in ClinVar:

NM_001386393.1(PANK2):c.1253C>G (p.Thr418Arg)

Gene: PANK2 (pantothenate kinase 2; plus strand). Cytogenetic location: 20p13.
Variant type: single nucleotide variant.
Coding change: c.1253C>G on transcript NM_001386393.1 (MANE Select); coding-DNA position 1253, C replaced by G.
Protein change: p.Thr418Arg; replaces threonine 418 with arginine.
Molecular consequence: missense variant. On other transcripts: non-coding transcript variant (1).
Genome position (GRCh38, 1-based): chr20:3,918,717, C>G. VCF-style: chr20-3918717-C-G. GRCh37 (hg19) VCF-style: chr20-3899364-C-G.
Other names: c.710C>G, p.Thr237Arg (NM_153640.4, NM_001324191.2, NM_024960.6); c.1583C>G, p.Thr528Arg (NM_153638.4); c.275C>G, p.Thr92Arg (NM_001324193.2); short protein forms T237R, T418R, T528R, T92R.
Identifiers: ClinVar variation 3233574 (VCV003233574.3), dbSNP rs137852967, ClinGen allele CA408120453.

ClinVar aggregate classification (germline): Conflicting classifications of pathogenicity. Review status: criteria provided, conflicting classifications (1 of 4 stars). 2 submissions from 2 submitters: Likely pathogenic (1); Uncertain significance (1). Last evaluated 2024-03-08.

Conditions:
Pigmentary pallidal degeneration (NBIA1). Also called: Pantothenate Kinase-Associated Neurodegeneration; Neuroaxonal dystrophy, late infantile; Hallervorden-Spatz disease; PKAN NEUROAXONAL DYSTROPHY, JUVENILE-ONSET; HARP SYNDROME; Neurodegeneration with brain iron accumulation 1. Identifiers: Orphanet 157850, MedGen C0018523, MONDO:0009319, OMIM 234200.

Submissions (2):

Women's Health and Genetics/Laboratory Corporation of America, LabCorp
Classification: Uncertain significance. Last evaluated: 2024-03-08. Review status: criteria provided, single submitter. Criteria: LabCorp Variant Classification Summary - May 2015. Collection method: clinical testing. Allele origin: germline.
Comment: Variant summary: PANK2 c.1583C>G (p.Thr528Arg), also known as c.1253C>G (p.Thr418Arg), results in a non-conservative amino acid change in the encoded protein sequence. Four of five in-silico tools predict a damaging effect of the variant on protein function. The variant was absent in 251482 control chromosomes (gnomAD). c.1583C>G has been reported in the literature in an individual affected with Pantothenate Kinase-Associated Neurodegeneration (Sakpichaisakul_2019). These data do not allow any conclusion about variant significance. To our knowledge, no experimental evidence demonstrating an impact on protein function has been reported. Another missense change affecting this residue has been classified as pathogenic, suggesting this may be a functionally important residue. The following publication has been ascertained in the context of this evaluation (PMID: 31088771). No submitters have cited clinical-significance assessments for this variant to ClinVar. Based on the evidence outlined above, the variant was classified as VUS-possibly pathogenic.

Fulgent Genetics
Classification: Likely pathogenic for Pigmentary pallidal degeneration. Last evaluated: 2024-03-06. Review status: criteria provided, single submitter. Criteria: ACMG Guidelines, 2015. Collection method: clinical testing. Allele origin: germline.

Literature cited by the submitters: PubMed 31088771 (cited by Women's Health and Genetics/Laboratory Corporation of America, LabCorp).